The following is an entry in ClinVar:

NM_139057.4(ADAMTS17):c.2957C>T (p.Ser986Leu)

Gene: ADAMTS17 (ADAM metallopeptidase with thrombospondin type 1 motif 17; minus strand). Cytogenetic location: 15q26.3.
Variant type: single nucleotide variant.
Coding change: c.2957C>T on transcript NM_139057.4 (MANE Select); coding-DNA position 2957, C replaced by T.
Protein change: p.Ser986Leu; replaces serine 986 with leucine.
Molecular consequence: missense variant.
Genome position (GRCh38, 1-based): chr15:99,976,215, G>A on the plus strand (C>T on the coding strand, the complement: ADAMTS17 is on the minus strand). VCF-style: chr15-99976215-G-A. GRCh37 (hg19) VCF-style: chr15-100516420-G-A.
Other names: c.2957C>T (NM_139057.2); short protein forms S986L.
Identifiers: ClinVar variation 1905641 (VCV001905641.4), dbSNP rs758439441, ClinGen allele CA7757501.

ClinVar aggregate classification (germline): Uncertain significance. Review status: criteria provided, multiple submitters, no conflicts (2 of 4 stars). 2 submissions from 2 submitters: Uncertain significance (2). Last evaluated 2023-03-06.

Conditions:
Inborn genetic diseases. Identifiers: MedGen C0950123, MeSH D030342.

Allele frequency attached by ClinVar (database versions not stated): gnomAD 0.00002; gnomAD exomes 0.00002; TOPMed 0.00002; ExAC 0.00005.
gnomAD v4.1: 25 of 1,545,504 alleles (0.0016%); highest among the groups gnomAD compares: South Asian, 0.0083%; no homozygotes.

Submissions (2):

Ambry Genetics
Classification: Uncertain significance for Inborn genetic diseases. Last evaluated: 2023-03-06. Review status: criteria provided, single submitter. Criteria: Ambry Variant Classification Scheme 2023. Collection method: clinical testing. Allele origin: germline.

Labcorp Genetics (formerly Invitae), Labcorp
Classification: Uncertain significance. Last evaluated: 2022-02-20. Review status: criteria provided, single submitter. Criteria: Invitae Variant Classification Sherloc (09022015). Collection method: clinical testing. Allele origin: germline.
Comment: This sequence change replaces serine, which is neutral and polar, with leucine, which is neutral and non-polar, at codon 986 of the ADAMTS17 protein (p.Ser986Leu). This variant is present in population databases (rs758439441, gnomAD 0.004%). This variant has not been reported in the literature in individuals affected with ADAMTS17-related conditions. Algorithms developed to predict the effect of missense changes on protein structure and function are either unavailable or do not agree on the potential impact of this missense change (SIFT: "Not Available"; PolyPhen-2: "Probably Damaging"; Align-GVGD: "Not Available"). In summary, the available evidence is currently insufficient to determine the role of this variant in disease. Therefore, it has been classified as a Variant of Uncertain Significance.